The following is an entry in ClinVar:

NM_000059.4(BRCA2):c.4963del (p.Tyr1655fs)

Gene: BRCA2 (BRCA2 DNA repair associated; plus strand). Cytogenetic location: 13q13.1.
Variant type: Deletion.
Coding change: c.4963del on transcript NM_000059.4 (MANE Select); coding-DNA position 4963, one base deleted (T; older notation c.4963delT).
Protein change: p.Tyr1655fs; shifts the reading frame from tyrosine 1655.
Genome position (GRCh38, 1-based): chr13:32,339,318, T deleted; the last of 2 consecutive T bases (chr13:32,339,317-32,339,318); deleting either gives the same sequence. VCF-style (leftmost placement, unchanged base first): chr13-32339316-GT-G. GRCh37 (hg19) VCF-style: chr13-32913453-GT-G.
Other names: 5191delT; c.4963delT (NM_000059.3); short protein forms Y1655fs.
Identifiers: ClinVar variation 221620 (VCV000221620.19), dbSNP rs886040557, ClinGen allele CA10575849.
Genomic context (GRCh38, chr13:32,339,316, plus strand): 5'-TTTTGAAAGTTAAAGTACATGAAAATGTAGAAAAAGAAACAGCAAAAAGTCCTGCAACTT[GT>G]TACACAAATCAGTCCCCTTATTCAGTCATTGAAAATTCAGCCTTAGCTTTTTACACAAGT-3'

ClinVar aggregate classification (germline): Pathogenic. Review status: reviewed by expert panel (3 of 4 stars). 8 submissions from 8 submitters: Pathogenic (1). 7 of the submissions do not count toward it. Last evaluated 2016-10-18.

Conditions:
Breast-ovarian cancer, familial, susceptibility to, 2 (BROVCA2). Also called: BRCA2 Hereditary Breast and Ovarian Cancer. Identifiers: Orphanet 145, MedGen C2675520, MONDO:0012933, OMIM 612555. Disease mechanism: loss of function.
Carcinoma of colon (CRC). Also called: Colon carcinoma; Colonic carcinoma. Identifiers: MedGen C0699790, MONDO:0002032.
Hereditary cancer-predisposing syndrome. Also called: Hereditary neoplastic syndrome; Tumor predisposition; Neoplastic Syndromes, Hereditary; Hereditary Cancer Syndrome. Identifiers: Orphanet 140162, MedGen C0027672, MeSH D009386, MONDO:0015356.

Submissions (8):

Evidence-based Network for the Interpretation of Germline Mutant Alleles (ENIGMA)
Classification: Pathogenic for Breast-ovarian cancer, familial, susceptibility to, 2. Last evaluated: 2016-10-18. Review status: reviewed by expert panel. Criteria: ENIGMA BRCA1/2 Classification Criteria (2015). Collection method: curation. Allele origin: germline.
Comment: Variant allele predicted to encode a truncated non-functional protein.

Ambry Genetics
Classification: Pathogenic for Hereditary cancer-predisposing syndrome. Last evaluated: 2025-05-05. Review status: criteria provided, single submitter. Criteria: Ambry Variant Classification Scheme 2023. Collection method: clinical testing. Allele origin: germline. Not counted in ClinVar's aggregate classification.
Comment: The c.4963delT pathogenic mutation, located in coding exon 10 of the BRCA2 gene, results from a deletion of one nucleotide at nucleotide position 4963, causing a translational frameshift with a predicted alternate stop codon (p.Y1655Tfs*15). This variant was identified in 1 of 419 individuals diagnosed with metastatic prostate cancer (Castro E et al. J Clin Oncol, 2019 Feb;37:490-503). This variant was also detected once in a cohort of 1663 individuals diagnosed with breast cancer (Guindalini RSC et al. Sci Rep, 2022 Mar;12:4190). This variant is considered to be rare based on population cohorts in the Genome Aggregation Database (gnomAD). In addition to the clinical data presented in the literature, this alteration is expected to result in loss of function by premature protein truncation or nonsense-mediated mRNA decay. As such, this alteration is interpreted as a disease-causing mutation.

Mendelics
Classification: Pathogenic for Breast-ovarian cancer, familial, susceptibility to, 2. Last evaluated: 2024-03-27. Review status: criteria provided, single submitter. Criteria: Mendelics Assertion Criteria 2017. Collection method: clinical testing. Allele origin: unknown. Not counted in ClinVar's aggregate classification.

Color Diagnostics, LLC DBA Color Health
Classification: Pathogenic for Hereditary cancer-predisposing syndrome. Last evaluated: 2022-02-23. Review status: criteria provided, single submitter. Criteria: ACMG Guidelines, 2015. Collection method: clinical testing. Allele origin: germline. Not counted in ClinVar's aggregate classification.
Comment: This variant deletes 1 nucleotide in exon 11 of the BRCA2 gene, creating a frameshift and premature translation stop signal. This variant is expected to result in an absent or non-functional protein product. This variant has been reported in 1 individual affected with colorectal cancer with a family history of BRCA2-related cancers (PMID: 27165003). This variant has not been identified in the general population by the Genome Aggregation Database (gnomAD). Loss of BRCA2 function is a known mechanism of disease. Based on the available evidence, this variant is classified as Pathogenic.

Revvity Omics, Revvity
Classification: Pathogenic. Last evaluated: 2021-09-21. Review status: criteria provided, single submitter. Criteria: ACMG Guidelines, 2015. Collection method: clinical testing. Allele origin: germline. Not counted in ClinVar's aggregate classification.

Genetic Predisposition to Colorectal Cancer Group, Institut d’Investigacions Biomediques August Pi i Sunyer
Classification: Likely pathogenic for Colorectal cancer. Last evaluated: 2015-11-01. Review status: criteria provided, single submitter. Criteria: Submitter's publication. Collection method: clinical testing. Allele origin: germline. Affected: yes. Observed: 2 variant alleles. Study: FAMCOLON. Not counted in ClinVar's aggregate classification.
Comment: Variant detected by whole exome sequencing in a family presenting aggregation mainly for colorectal cancer but also for breast cancer, uterine cancer and prostate cancer

Segregation in the family affected members; frequency in the control datasets <0.01% (ExAC, EVS, CIBERER Spanish Variant Server)

Consortium of Investigators of Modifiers of BRCA1/2 (CIMBA), c/o University of Cambridge
Classification: Pathogenic for Breast-ovarian cancer, familial, susceptibility to, 2. Last evaluated: 2015-10-02. Review status: criteria provided, single submitter. Criteria: CIMBA Mutation Classification guidelines May 2016. Collection method: clinical testing. Allele origin: germline. Not counted in ClinVar's aggregate classification.

Molecular Oncology, Hospital Universitario Central de Asturias (HUCA)
Classification: Pathogenic for Breast-ovarian cancer, familial, susceptibility to, 2. Last evaluated: 2021-05-24. Review status: no assertion criteria provided. Collection method: case-control. Allele origin: germline. Affected: yes. Not counted in ClinVar's aggregate classification.

Literature cited by the submitters: PubMed 30625039 (cited by Ambry Genetics); PubMed 35264596 (cited by Ambry Genetics); PubMed 27165003 (cited by Color Diagnostics, LLC DBA Color Health and Genetic Predisposition to Colorectal Cancer Group, Institut d’Investigacions Biomediques August Pi i Sunyer); PubMed 38922859 (cited by Molecular Oncology, Hospital Universitario Central de Asturias (HUCA)).